The following is an entry in ClinVar:

ClinVar aggregate classification (germline): Conflicting classifications of pathogenicity. Review status: criteria provided, conflicting classifications (1 of 4 stars). 6 submissions from 6 submitters: Uncertain significance (5); Likely benign (1). Last evaluated 2026-02-02.

Conditions:
Epidermolysis bullosa simplex 5C, with pyloric atresia (EBS5C). Also called: PLEC-Related Epidermolysis Bullosa with Pyloric Atresia; Epidermolysis bullosa simplex with pyloric atresia; PLEC1-Related Epidermolysis Bullosa with Pyloric Atresia. Identifiers: Orphanet 158684, MedGen C2677349, MONDO:0012807, OMIM 612138.
Epidermolysis bullosa simplex 5B, with muscular dystrophy (EBS5B). Also called: EPIDERMOLYSIS BULLOSA SIMPLEX AND LIMB-GIRDLE MUSCULAR DYSTROPHY; Epidermolysis bullosa simplex with muscular dystrophy. Identifiers: Orphanet 257, MedGen C2931072, MONDO:0009181, OMIM 226670.
Autosomal recessive limb-girdle muscular dystrophy type 2Q (LGMDR17). Also called: MUSCULAR DYSTROPHY, LIMB-GIRDLE, AUTOSOMAL RECESSIVE 17. Identifiers: Orphanet 254361, MedGen C3150989, MONDO:0013390, OMIM 613723.
Epidermolysis bullosa simplex with nail dystrophy (EBS5D). Identifiers: MedGen C4225309, MONDO:0014661, OMIM 616487.
Epidermolysis bullosa simplex, Ogna type (EBS5A). Also called: Pidermolysis bullosa simplex 5A, Ogna type; EPIDERMOLYSIS BULLOSA SIMPLEX 5A, OGNA TYPE. Identifiers: Orphanet 79401, MedGen C0432317, MONDO:0007555, OMIM 131950.
Inborn genetic diseases. Identifiers: MedGen C0950123, MeSH D030342.

Allele frequency attached by ClinVar (database versions not stated): TOPMed 0.00005; gnomAD 0.00006 and 0.00007; gnomAD exomes 0.00016; ESP Exome Variant Server 0.00018; ExAC 0.00022.
gnomAD v4.1: 206 of 1,585,434 alleles (0.013%); highest among the groups gnomAD compares: South Asian, 0.072%; 1 homozygote.

Submissions (6):

Labcorp Genetics (formerly Invitae), Labcorp
Classification: Uncertain significance for Autosomal recessive limb-girdle muscular dystrophy type 2Q; Epidermolysis bullosa simplex, Ogna type; Epidermolysis bullosa simplex with nail dystrophy; Epidermolysis bullosa simplex 5C, with pyloric atresia; Epidermolysis bullosa simplex 5B, with muscular dystrophy. Last evaluated: 2026-02-02. Review status: criteria provided, single submitter. Criteria: Invitae Variant Classification Sherloc (09022015). Collection method: clinical testing. Allele origin: germline.
Comment: This sequence change replaces alanine, which is neutral and non-polar, with valine, which is neutral and non-polar, at codon 3420 of the PLEC protein (p.Ala3420Val). This variant is present in population databases (rs370079447, gnomAD 0.08%), including at least one homozygous and/or hemizygous individual. This variant has not been reported in the literature in individuals affected with PLEC-related conditions. ClinVar contains an entry for this variant (Variation ID: 502558). Invitae Evidence Modeling of protein sequence and biophysical properties (such as structural, functional, and spatial information, amino acid conservation, physicochemical variation, residue mobility, and thermodynamic stability) has been performed for this missense variant. However, the output from this modeling did not meet the statistical confidence thresholds required to predict the impact of this variant on PLEC protein function. In summary, the available evidence is currently insufficient to determine the role of this variant in disease. Therefore, it has been classified as a Variant of Uncertain Significance.

Ambry Genetics
Classification: Uncertain significance for Inborn genetic diseases. Last evaluated: 2025-08-24. Review status: criteria provided, single submitter. Criteria: Ambry Variant Classification Scheme 2023. Collection method: clinical testing. Allele origin: germline.

CeGaT Center for Human Genetics Tuebingen
Classification: Uncertain significance. Last evaluated: 2023-02-01. Review status: criteria provided, single submitter. Criteria: CeGaT Center For Human Genetics Tuebingen Variant Classification Criteria Version 2. Collection method: clinical testing. Allele origin: germline. Affected: yes. Observed: 1 variant allele.

Revvity Omics, Revvity
Classification: Uncertain significance. Last evaluated: 2020-09-05. Review status: criteria provided, single submitter. Criteria: ACMG Guidelines, 2015. Collection method: clinical testing. Allele origin: germline.

GeneDx
Classification: Likely benign. Last evaluated: 2017-08-16. Review status: criteria provided, single submitter. Criteria: GeneDx Variant Classification (06012015). Collection method: clinical testing. Allele origin: germline. Affected: yes.
Comment: This variant is considered likely benign or benign based on one or more of the following criteria: it is a conservative change, it occurs at a poorly conserved position in the protein, it is predicted to be benign by multiple in silico algorithms, and/or has population frequency not consistent with disease.

Eurofins Ntd Llc (ga)
Classification: Uncertain significance. Last evaluated: 2017-06-14. Review status: criteria provided, single submitter. Criteria: EGL Classification Definitions 2015. Collection method: clinical testing. Allele origin: germline. Observed: 1 variant allele, 1 heterozygote.

NM_201384.3(PLEC):c.10178C>T (p.Ala3393Val)

Gene: PLEC (plectin; minus strand). Cytogenetic location: 8q24.3.
Variant type: single nucleotide variant.
Coding change: c.10178C>T on transcript NM_201384.3 (MANE Select); coding-DNA position 10178, C replaced by T.
Protein change: p.Ala3393Val; replaces alanine 3393 with valine.
Molecular consequence: missense variant.
Genome position (GRCh38, 1-based): chr8:143,919,643, G>A on the plus strand (C>T on the coding strand, the complement: PLEC is on the minus strand). VCF-style: chr8-143919643-G-A. GRCh37 (hg19) VCF-style: chr8-144993811-G-A.
Other names: c.10259C>T, p.Ala3420Val (NM_000445.5); c.10136C>T, p.Ala3379Val (NM_201378.4); c.10112C>T, p.Ala3371Val (NM_201379.3); c.10589C>T, p.Ala3530Val (NM_201380.4); c.10082C>T, p.Ala3361Val (NM_201381.3); c.10178C>T, p.Ala3393Val (NM_201382.4); c.10190C>T, p.Ala3397Val (NM_201383.3); short protein forms A3361V, A3371V, A3379V, A3393V, A3397V, A3420V, A3530V.
Identifiers: ClinVar variation 502558 (VCV000502558.43), dbSNP rs370079447, ClinGen allele CA4924729.